The following is an entry in ClinVar:

ClinVar aggregate classification (germline): Likely benign. Review status: criteria provided, multiple submitters, no conflicts (2 of 4 stars). 5 submissions from 5 submitters: Likely benign (4). 1 of the submissions does not count toward it. Last evaluated 2025-12-22.

Conditions:
KMT2D-related disorder. Also called: KMT2D-Related Disorders.
Kabuki syndrome. Also called: NIIKAWA-KUROKI SYNDROME; Kabuki make-up syndrome. Identifiers: Orphanet 2322, MedGen C0796004, MONDO:0016512.

Allele frequency attached by ClinVar (database versions not stated): ESP Exome Variant Server 0.00008.
gnomAD v4.1: 55 of 1,613,496 alleles (0.0034%); highest among the groups gnomAD compares: Non-Finnish European, 0.0042%; no homozygotes.

Submissions (5):

Labcorp Genetics (formerly Invitae), Labcorp
Classification: Likely benign for Kabuki syndrome. Last evaluated: 2025-12-22. Review status: criteria provided, single submitter. Criteria: Invitae Variant Classification Sherloc (09022015). Collection method: clinical testing. Allele origin: germline.

PreventionGenetics, part of Exact Sciences
Classification: Likely benign for KMT2D-related condition. Last evaluated: 2025-08-06. Review status: criteria provided, single submitter. Criteria: ACMG Guidelines, 2015. Collection method: clinical testing. Allele origin: germline.
Comment: This variant is classified as likely benign based on ACMG/AMP sequence variant interpretation guidelines (Richards et al. 2015 PMID: 25741868, with internal and published modifications).

Blueprint Genetics
Classification: Likely benign. Last evaluated: 2024-06-18. Review status: criteria provided, single submitter. Criteria: ACMG Guidelines, 2015. Collection method: clinical testing. Allele origin: germline.

GeneDx
Classification: Likely benign. Last evaluated: 2021-05-14. Review status: criteria provided, single submitter. Criteria: GeneDx Variant Classification (06012015). Collection method: clinical testing. Allele origin: germline. Affected: yes.
Comment: In silico analysis supports that this missense variant does not alter protein structure/function; Has not been previously published as pathogenic or benign to our knowledge

Department of Pathology and Laboratory Medicine, Sinai Health System
Classification: Likely benign. Review status: no assertion criteria provided. Collection method: clinical testing. Allele origin: unknown. Affected: yes. Study: The Canadian Open Genetics Repository (COGR). Not counted in ClinVar's aggregate classification.
Comment: The KMT2D p.P506Q variant was not identified in the literature nor was it identified in ClinVar. The variant was identified in dbSNP (ID: rs367925817) and in control databases in 14 of 279550 chromosomes at a frequency of 0.00005008, and was observed at the highest frequency in the European (non-Finnish) population in 13 of 127530 chromosomes (freq: 0.0001019) (Genome Aggregation Database March 6, 2019, v2.1.1). This frequency is greater than expected for the rare, autosomal dominant Kabuki syndrome associated with KMT2D variants. The p.P506 residue is conserved in mammals however computational analyses (MUT Assesor, PolyPhen-2, SIFT, MutationTaster, Revel, FATHMM, MetaLR, DANN) do not suggest a high likelihood of impact to the protein; this information is not very predictive of pathogenicity. The variant occurs outside of the splicing consensus sequence and in silico or computational prediction software programs (Splice AI exome) do not predict a difference in splicing. In summary, based on the above information the clinical significance of this variant cannot be determined with certainty at this time although we would lean towards a more benign role for this variant. This variant is classified as likely benign.

NM_003482.4(KMT2D):c.1517C>A (p.Pro506Gln)

Gene: KMT2D (lysine methyltransferase 2D; minus strand). Cytogenetic location: 12q13.12.
Variant type: single nucleotide variant.
Coding change: c.1517C>A on transcript NM_003482.4 (MANE Select); coding-DNA position 1517, C replaced by A.
Protein change: p.Pro506Gln; replaces proline 506 with glutamine.
Molecular consequence: missense variant.
Genome position (GRCh38, 1-based): chr12:49,052,166, G>T on the plus strand (C>A on the coding strand, the complement: KMT2D is on the minus strand). VCF-style: chr12-49052166-G-T. GRCh37 (hg19) VCF-style: chr12-49445949-G-T.
Other names: short protein forms P506Q.
Identifiers: ClinVar variation 1049349 (VCV001049349.13), dbSNP rs367925817, ClinGen allele CA6548467.